The following is an entry in ClinVar:

NM_006759.4(UGP2):c.15A>G (p.Val5=)

Gene: UGP2 (UDP-glucose pyrophosphorylase 2; plus strand). Cytogenetic location: 2p15.
Variant type: single nucleotide variant.
Coding change: c.15A>G on transcript NM_006759.4 (MANE Select); coding-DNA position 15, A replaced by G.
Protein change: p.Val5=; no amino-acid change (valine 5 retained).
Molecular consequence: synonymous variant. On other transcripts: 5 prime UTR variant (1), intron variant (6).
Genome position (GRCh38, 1-based): chr2:63,842,200, A>G. VCF-style: chr2-63842200-A-G. GRCh37 (hg19) VCF-style: chr2-64069334-A-G.
Other names: c.-80A>G (NM_001377524.1); c.-571-339A>G (NM_001377529.1); c.-75-339A>G (NM_001377525.1); c.-511+968A>G (NM_001377526.1); c.-430+968A>G (NM_001377528.1); c.-15+968A>G (NM_001001521.2); c.-106+968A>G (NM_001377527.1).
Identifiers: ClinVar variation 1879471 (VCV001879471.30), dbSNP rs146746356, ClinGen allele CA1683011.

ClinVar aggregate classification (germline): Likely benign. Review status: criteria provided, multiple submitters, no conflicts (2 of 4 stars). 2 submissions from 2 submitters: Likely benign (2). Last evaluated 2026-09-01.

Allele frequency attached by ClinVar (database versions not stated): ESP Exome Variant Server 0.00023; TOPMed 0.00038; gnomAD 0.00065; 1000 Genomes Project 30x 0.00172; 1000 Genomes Project 0.00180.
gnomAD v4.1: 1,538 of 1,603,444 alleles (0.096%); highest among the groups gnomAD compares: South Asian, 0.92%; 14 homozygotes.

Submissions (2):

CeGaT Center for Human Genetics Tuebingen
Classification: Likely benign. Last evaluated: 2026-09-01. Review status: criteria provided, single submitter. Criteria: CeGaT Center For Human Genetics Tuebingen Variant Classification Criteria Version 2. Collection method: clinical testing. Allele origin: germline. Affected: yes. Observed: 9 variant alleles.
Comment: UGP2: BP4, BP7, BS2

Blueprint Genetics
Classification: Likely benign. Last evaluated: 2024-11-19. Review status: criteria provided, single submitter. Criteria: ACMG Guidelines, 2015. Collection method: clinical testing. Allele origin: germline.